The following is an entry in ClinVar:

NM_001042492.3(NF1):c.1415dup (p.Thr473fs)

Gene: NF1 (neurofibromin 1; plus strand). Cytogenetic location: 17q11.2.
Variant type: Duplication.
Coding change: c.1415dup on transcript NM_001042492.3 (MANE Select); coding-DNA position 1415, one base duplicated (T; older notation c.1415dupT).
Protein change: p.Thr473fs; shifts the reading frame from threonine 473.
Molecular consequence: frameshift variant.
Genome position (GRCh38, 1-based): chr17:31,214,473, T duplicated. VCF-style (leftmost placement, unchanged base first): chr17-31214472-G-GT. GRCh37 (hg19) VCF-style: chr17-29541490-G-GT.
Other names: c.1415dup, p.Thr473Asnfs (NM_000267.4); c.1415dup, p.Thr473fs (NM_001128147.3); short protein forms T473fs.
Identifiers: ClinVar variation 2034624 (VCV002034624.8), dbSNP rs2544829159, ClinGen allele CA2580092782.

ClinVar aggregate classification (germline): Pathogenic/Likely pathogenic. Review status: criteria provided, multiple submitters, no conflicts (2 of 4 stars). 3 submissions from 3 submitters: Pathogenic (1); Likely pathogenic (2). Last evaluated 2022-10-07.

Conditions:
Neurofibromatosis, type 1 (NF1). Also called: VON RECKLINGHAUSEN DISEASE; Peripheral type neurofibromatosis; Neurofibromatosis, type I; NEUROFIBROMATOSIS, TYPE I, SOMATIC. Identifiers: Orphanet 636, MedGen C0027831, MONDO:0018975, OMIM 162200. Disease mechanism: loss of function.
NF1-related disorder. Also called: NF1-related condition. Identifiers: MedGen CN379171.

Submissions (3):

Labcorp Genetics (formerly Invitae), Labcorp
Classification: Pathogenic for Neurofibromatosis, type 1. Last evaluated: 2022-10-07. Review status: criteria provided, single submitter. Criteria: Invitae Variant Classification Sherloc (09022015). Collection method: clinical testing. Allele origin: germline.
Comment: For these reasons, this variant has been classified as Pathogenic. This variant has not been reported in the literature in individuals affected with NF1-related conditions. This variant is not present in population databases (gnomAD no frequency). This sequence change creates a premature translational stop signal (p.Thr473Asnfs*4) in the NF1 gene. It is expected to result in an absent or disrupted protein product. Loss-of-function variants in NF1 are known to be pathogenic (PMID: 10712197, 23913538).

Revvity Omics, Revvity
Classification: Likely pathogenic. Last evaluated: 2022-09-07. Review status: criteria provided, single submitter. Criteria: ACMG Guidelines, 2015. Collection method: clinical testing. Allele origin: germline.

Blueprint Genetics
Classification: Likely pathogenic for NF1-related disorders. Last evaluated: 2021-06-14. Review status: criteria provided, single submitter. Criteria: ACMG Guidelines, 2015. Collection method: clinical testing. Allele origin: germline. Affected: yes. Observed: 1 variant allele.

Literature cited by the submitters: PubMed 10712197 (cited by Labcorp Genetics (formerly Invitae), Labcorp); PubMed 23913538 (cited by Labcorp Genetics (formerly Invitae), Labcorp).